The following is an entry in ClinVar:

ClinVar aggregate classification (germline): Conflicting classifications of pathogenicity. Review status: criteria provided, conflicting classifications (1 of 4 stars). 5 submissions from 5 submitters: Pathogenic (2); Likely pathogenic (2); Uncertain significance (1). Last evaluated 2026-03-06.

Conditions:
Inborn genetic diseases. Identifiers: MedGen C0950123, MeSH D030342.

Allele frequency attached by ClinVar (database versions not stated): ExAC 0.00001; gnomAD 0.00001; gnomAD exomes 0.00001 and 0.00002; TOPMed 0.00005.

Submissions (5):

GeneDx
Classification: Likely pathogenic. Last evaluated: 2026-03-06. Review status: criteria provided, single submitter. Criteria: GeneDx Variant Classification Process June 2021. Collection method: clinical testing. Allele origin: germline.
Comment: Not observed at significant frequency in large population cohorts (gnomAD); In silico analysis supports that this missense variant has a deleterious effect on protein structure/function; This variant is associated with the following publications: (PMID: 26972339, 28837627, 32898648, 28617415, 30737079, 32978841, 32681750, 28882528, 32057119, 27206562, 31307013, 30982613, 30048639, 28190645)

CeGaT Center for Human Genetics Tuebingen
Classification: Pathogenic. Last evaluated: 2026-03-01. Review status: criteria provided, single submitter. Criteria: CeGaT Center For Human Genetics Tuebingen Variant Classification Criteria Version 2. Collection method: clinical testing. Allele origin: germline. Affected: yes. Observed: 1 variant allele.
Comment: PGM1: PM3:Strong, PM1, PM2, PP4, PS3:Supporting

Ambry Genetics
Classification: Pathogenic for Inborn genetic diseases. Last evaluated: 2025-11-21. Review status: criteria provided, single submitter. Criteria: Ambry Variant Classification Scheme 2023. Collection method: clinical testing. Allele origin: germline.
Comment: The c.1264C>T (p.R422W) alteration is located in exon 8 (coding exon 8) of the PGM1 gene. This alteration results from a C to T substitution at nucleotide position 1264, causing the arginine (R) at amino acid position 422 to be replaced by a tryptophan (W). Based on data from gnomAD, the T allele has an overall frequency of 0.001% (2/250966) total alleles studied. The highest observed frequency was 0.006% (2/34588) of Latino alleles. This variant has been identified in the homozygous state and/or in conjunction with other PGM1 variant(s) in individual(s) with features consistent with PGM1-related congenital disorder of glycosylation (Wong, 2016; Preisler, 2017; Voermans, 2017). This amino acid position is highly conserved in available vertebrate species. Based on internal structural analysis, this variant is moderately destabilizing to the local structure (Ambry internal data). This alteration is predicted to be deleterious by in silico analysis. Based on the available evidence, this alteration is classified as pathogenic.

Mayo Clinic Laboratories, Mayo Clinic
Classification: Likely pathogenic. Last evaluated: 2023-01-20. Review status: criteria provided, single submitter. Criteria: ACMG Guidelines, 2015. Collection method: clinical testing. Allele origin: germline. Observed: 1 variant allele.
Comment: PP4, PM2, PM3

Eurofins Ntd Llc (ga)
Classification: Uncertain significance. Last evaluated: 2016-02-02. Review status: criteria provided, single submitter. Criteria: EGL Classification Definitions 2015. Collection method: clinical testing. Allele origin: germline. Observed: 1 variant allele, 1 heterozygote.

Literature cited by the submitters: PubMed 27206562 (cited by Ambry Genetics and Mayo Clinic Laboratories, Mayo Clinic); PubMed 28190645 (cited by Ambry Genetics and Mayo Clinic Laboratories, Mayo Clinic); PubMed 28882528 (cited by Ambry Genetics and Mayo Clinic Laboratories, Mayo Clinic); PubMed 28617415 (cited by Mayo Clinic Laboratories, Mayo Clinic); PubMed 28837627 (cited by Mayo Clinic Laboratories, Mayo Clinic); PubMed 30048639 (cited by Mayo Clinic Laboratories, Mayo Clinic); PubMed 30737079 (cited by Mayo Clinic Laboratories, Mayo Clinic); PubMed 30982613 (cited by Mayo Clinic Laboratories, Mayo Clinic); PubMed 31307013 (cited by Mayo Clinic Laboratories, Mayo Clinic); PubMed 32057119 (cited by Mayo Clinic Laboratories, Mayo Clinic); PubMed 32681750 (cited by Mayo Clinic Laboratories, Mayo Clinic); PubMed 32898648 (cited by Mayo Clinic Laboratories, Mayo Clinic).

NM_002633.3(PGM1):c.1264C>T (p.Arg422Trp)

Gene: PGM1 (phosphoglucomutase 1; plus strand). Cytogenetic location: 1p31.3.
Variant type: single nucleotide variant.
Coding change: c.1264C>T on transcript NM_002633.3 (MANE Select); coding-DNA position 1264, C replaced by T.
Protein change: p.Arg422Trp; replaces arginine 422 with tryptophan.
Molecular consequence: missense variant.
Genome position (GRCh38, 1-based): chr1:63,648,636, C>T. VCF-style: chr1-63648636-C-T. GRCh37 (hg19) VCF-style: chr1-64114307-C-T.
Other names: p.Arg422Trp; c.1264C>T (NM_002633.2); c.1318C>T, p.Arg440Trp (NM_001172818.1); c.673C>T, p.Arg225Trp (NM_001172819.2); short protein forms R440W, R422W, R225W.
Identifiers: ClinVar variation 285889 (VCV000285889.12), dbSNP rs748019294, ClinGen allele CA889780.